The following is an entry in ClinVar:

ClinVar aggregate classification (germline): Likely benign. Review status: criteria provided, multiple submitters, no conflicts (2 of 4 stars). 3 submissions from 3 submitters: Likely benign (3). Last evaluated 2026-09-01.

Conditions:
Inborn genetic diseases. Identifiers: MedGen C0950123, MeSH D030342.

Allele frequency attached by ClinVar (database versions not stated): gnomAD 0.00001; TOPMed 0.00005; ExAC 0.00008.
gnomAD v4.1: 35 of 1,613,870 alleles (0.0022%); highest among the groups gnomAD compares: Admixed American, 0.032%; 1 homozygote.

Submissions (3):

CeGaT Center for Human Genetics Tuebingen
Classification: Likely benign. Last evaluated: 2026-09-01. Review status: criteria provided, single submitter. Criteria: CeGaT Center For Human Genetics Tuebingen Variant Classification Criteria Version 2. Collection method: clinical testing. Allele origin: germline. Affected: yes. Observed: 1 variant allele.
Comment: GNAO1: PP3, BS2

Athena Diagnostics
Classification: Likely benign. Last evaluated: 2024-07-03. Review status: criteria provided, single submitter. Criteria: Athena Diagnostics Criteria. Collection method: clinical testing. Allele origin: unknown.

Ambry Genetics
Classification: Likely benign for Inborn genetic diseases. Last evaluated: 2021-06-18. Review status: criteria provided, single submitter. Criteria: Ambry Variant Classification Scheme 2023. Collection method: clinical testing. Allele origin: germline.

NM_020988.3(GNAO1):c.723+4098C>T

Gene: GNAO1 (G protein subunit alpha o1; plus strand). Cytogenetic location: 16q13.
Variant type: single nucleotide variant.
Coding change: c.723+4098C>T on transcript NM_020988.3 (MANE Select); 4098 bases into the intron after coding-DNA position 723, C replaced by T.
Molecular consequence: intron variant. On other transcripts: missense variant (1).
Genome position (GRCh38, 1-based): chr16:56,340,958, C>T. VCF-style: chr16-56340958-C-T. GRCh37 (hg19) VCF-style: chr16-56374870-C-T.
Other names: c.848C>T, p.Pro283Leu (NM_138736.3); short protein forms P283L.
Identifiers: ClinVar variation 2356710 (VCV002356710.4), dbSNP rs763864033, ClinGen allele CA8063882.